The following is an entry in ClinVar:

NM_152594.3(SPRED1):c.858C>G (p.Asp286Glu)

Gene: SPRED1 (sprouty related EVH1 domain containing 1; plus strand). Cytogenetic location: 15q14.
Variant type: single nucleotide variant.
Coding change: c.858C>G on transcript NM_152594.3 (MANE Select); coding-DNA position 858, C replaced by G.
Protein change: p.Asp286Glu; replaces aspartic acid 286 with glutamic acid.
Molecular consequence: missense variant.
Genome position (GRCh38, 1-based): chr15:38,351,187, C>G. VCF-style: chr15-38351187-C-G. GRCh37 (hg19) VCF-style: chr15-38643388-C-G.
Other names: short protein forms D286E.
Identifiers: ClinVar variation 3341029 (VCV003341029.1).

ClinVar aggregate classification (germline): Uncertain significance (1 of 4 stars; one submission).

gnomAD v4.1: 5 of 1,614,080 alleles (0.00031%); highest among the groups gnomAD compares: South Asian, 0.0055%; 1 homozygote.

Submission:

GeneDx
Classification: Uncertain significance. Last evaluated: 2024-03-15. Review status: criteria provided, single submitter. Criteria: GeneDx Variant Classification Process June 2021. Collection method: clinical testing. Allele origin: germline. Affected: yes.
Comment: Not observed at significant frequency in large population cohorts (gnomAD); In silico analysis supports that this missense variant does not alter protein structure/function; Has not been previously published as pathogenic or benign to our knowledge